The following is an entry in ClinVar:

NM_001290060.2(SEMA3B):c.2220G>T (p.Glu740Asp)

Gene: SEMA3B (semaphorin 3B; plus strand). Cytogenetic location: 3p21.31.
Variant type: single nucleotide variant.
Coding change: c.2220G>T on transcript NM_001290060.2 (MANE Select); coding-DNA position 2220, G replaced by T.
Protein change: p.Glu740Asp; replaces glutamic acid 740 with aspartic acid.
Molecular consequence: missense variant. On other transcripts: non-coding transcript variant (1).
Genome position (GRCh38, 1-based): chr3:50,276,676, G>T. VCF-style: chr3-50276676-G-T. GRCh37 (hg19) VCF-style: chr3-50314107-G-T.
Other names: c.2217G>T, p.Glu739Asp (NM_001005914.3, NM_001435957.1, NM_001435958.1); c.2235G>T, p.Glu745Asp (NM_001290061.1); c.1191G>T, p.Glu397Asp (NM_001290062.2, NM_001290063.2); c.2220G>T, p.Glu740Asp (NM_001435956.1, NM_004636.4); short protein forms E745D, E397D, E739D, E740D.
Identifiers: ClinVar variation 4986019 (VCV004986019.1).

ClinVar aggregate classification (germline): Uncertain significance (1 of 4 stars; one submission).

Conditions:
SEMA3B-related disorder. Also called: SEMA3B-related condition.

gnomAD v4.1: 5 of 1,560,170 alleles (0.00032%); highest among the groups gnomAD compares: African/African-American, 0.0069%; no homozygotes.

Submission:

PreventionGenetics, part of Exact Sciences
Classification: Uncertain significance for SEMA3B-related condition. Last evaluated: 2025-11-06. Review status: criteria provided, single submitter. Criteria: ACMG Guidelines, 2015. Collection method: clinical testing. Allele origin: germline.
Comment: The SEMA3B c.2235G>T variant is predicted to result in the amino acid substitution p.Glu745Asp. To our knowledge, this variant has not been reported in the literature. This variant is reported in 0.011% of alleles in individuals of African descent in gnomAD. At this time, the clinical significance of this variant is uncertain due to the absence of conclusive functional and genetic evidence.